The following is an entry in ClinVar:

ClinVar aggregate classification (germline): Conflicting classifications of pathogenicity. Review status: criteria provided, conflicting classifications (1 of 4 stars). 4 submissions from 4 submitters: Likely pathogenic (3); Uncertain significance (1). Last evaluated 2026-07-01.

Conditions:
Glycogen storage disease, type II (IOPD). Also called: CARDIOMEGALIA GLYCOGENICA DIFFUSA; GLYCOGENOSIS, GENERALIZED, CARDIAC FORM; GSD II; Glycogen storage disease type 2; Acid maltase deficiency disease; Aglucosidase alfa. Identifiers: Orphanet 365, MedGen C0017921, MONDO:0009290, OMIM 232300.

Submissions (4):

Genomenon, Inc
Classification: Uncertain significance for Glycogen storage disease, type II. Last evaluated: 2026-07-01. Review status: criteria provided, single submitter. Criteria: Genomenon Sequence Variant Interpretation Standards - Updated. Collection method: curation. Allele origin: germline.
Comment: GAA c.2647-2A>G is a canonical splice variant affecting the acceptor splice site of intron 18. It is predicted to affect mRNA splicing, leading to a deleterious effect on the GAA protein. This variant has been reported in the compound heterozygous and/or homozygous state in an individual without a confirmed diagnosis of Pompe disease (PMID:17027861). It is absent or not present at a significant frequency in gnomAD. In conclusion, we classify GAA c.2647-2A>G as a variant of uncertain significance.

Natera, Inc.
Classification: Likely pathogenic for Glycogen storage disease type II. Last evaluated: 2025-01-08. Review status: criteria provided, single submitter. Criteria: Natera Variant Classification Schema (03/2026). Collection method: clinical testing. Allele origin: germline.
Comment: The c.2647-2A>G variant in GAA is a canonical splice acceptor site variant predicted to affect pre-mRNA splicing, which may result in an abnormal transcript and altered protein product. This variant is expected to result in nonsense mediated decay, truncation, or a dysfunctional protein product. This variant is rare in the general population with a frequency below the threshold expected for the associated phenotype(s). Given the available evidence, this variant is classified as Likely Pathogenic.

Fulgent Genetics
Classification: Likely pathogenic for Glycogen storage disease, type II. Last evaluated: 2024-05-20. Review status: criteria provided, single submitter. Criteria: ACMG Guidelines, 2015. Collection method: clinical testing. Allele origin: germline.

Labcorp Genetics (formerly Invitae), Labcorp
Classification: Likely pathogenic for Glycogen storage disease, type II. Last evaluated: 2021-12-31. Review status: criteria provided, single submitter. Criteria: Invitae Variant Classification Sherloc (09022015). Collection method: clinical testing. Allele origin: germline.
Comment: In summary, the currently available evidence indicates that the variant is pathogenic, but additional data are needed to prove that conclusively. Therefore, this variant has been classified as Likely Pathogenic. Algorithms developed to predict the effect of sequence changes on RNA splicing suggest that this variant may disrupt the consensus splice site. Disruption of this splice site has been observed in individual(s) with Pompe disease (PMID: 25626711). This variant is not present in population databases (gnomAD no frequency). This sequence change affects an acceptor splice site in intron 18 of the GAA gene. It is expected to disrupt RNA splicing. Variants that disrupt the donor or acceptor splice site typically lead to a loss of protein function (PMID: 16199547), and loss-of-function variants in GAA are known to be pathogenic (PMID: 18425781, 22252923).

Literature cited by the submitters: PubMed 17027861 (cited by Genomenon, Inc); PubMed 25626711 (cited by Labcorp Genetics (formerly Invitae), Labcorp); PubMed 16199547 (cited by Labcorp Genetics (formerly Invitae), Labcorp); PubMed 18425781 (cited by Labcorp Genetics (formerly Invitae), Labcorp); PubMed 22252923 (cited by Labcorp Genetics (formerly Invitae), Labcorp).

NM_000152.5(GAA):c.2647-2A>G

Gene: GAA (alpha glucosidase; plus strand). Cytogenetic location: 17q25.3.
Variant type: single nucleotide variant.
Coding change: c.2647-2A>G on transcript NM_000152.5 (MANE Select); the canonical splice acceptor site of the intron before coding-DNA position 2647, A replaced by G.
Molecular consequence: splice acceptor variant.
Genome position (GRCh38, 1-based): chr17:80,118,651, A>G. VCF-style: chr17-80118651-A-G. GRCh37 (hg19) VCF-style: chr17-78092450-A-G.
Other names: c.2647-2A>G (NM_001406741.1, NM_001406742.1, NM_001079803.3 and 2 more transcripts).
Identifiers: ClinVar variation 2067614 (VCV002067614.8), dbSNP rs2510404041, ClinGen allele CA401326568.